The following is an entry in ClinVar:

NM_000492.4(CFTR):c.708dup (p.Gln237fs)

Gene: CFTR (CF transmembrane conductance regulator; plus strand). Cytogenetic location: 7q31.2.
Variant type: Duplication.
Coding change: c.708dup on transcript NM_000492.4 (MANE Select); coding-DNA position 708, one base duplicated (T; older notation c.708dupT).
Protein change: p.Gln237fs; shifts the reading frame from glutamine 237.
Molecular consequence: frameshift variant.
Genome position (GRCh38, 1-based): chr7:117,535,376, T duplicated; the last of 5 consecutive T bases (chr7:117,535,372-117,535,376); duplicating any one gives the same sequence. VCF-style (leftmost placement, unchanged base first): chr7-117535371-C-CT. GRCh37 (hg19) VCF-style: chr7-117175425-C-CT.
Other names: c.708dupT (NM_000492.3); short protein forms Q237fs.
Identifiers: ClinVar variation 4818573 (VCV004818573.1).

ClinVar aggregate classification (germline): Likely pathogenic (1 of 4 stars; one submission).

Conditions:
CFTR-related disorder (CFTR-RD). Also called: CFTR-related disorders; CFTR-related condition. Identifiers: MedGen C5924204, MONDO:7770004.

Submission:

Natera, Inc.
Classification: Likely pathogenic for CFTR-related disorders. Last evaluated: 2025-05-12. Review status: criteria provided, single submitter. Criteria: Natera Variant Classification Schema (03/2026). Collection method: clinical testing. Allele origin: germline.
Comment: The c.708dupT variant in CFTR is a frameshift variant predicted to shift the reading frame beginning at codon 237 and leads to a stop codon 21 codons downstream. This variant is expected to result in nonsense mediated decay, truncation, or a dysfunctional protein product. This variant is rare in the general population with a frequency below the threshold expected for the associated phenotype(s). Given the available evidence, this variant is classified as Likely Pathogenic.